The following is an entry in ClinVar:

ClinVar aggregate classification (germline): Uncertain significance (1 of 4 stars; one submission).

gnomAD v4.1: 1 of 1,612,428 alleles (0.000062%); highest among the groups gnomAD compares: Non-Finnish European, 0.000085%; no homozygotes.

Submission:

Athena Diagnostics
Classification: Uncertain significance. Last evaluated: 2025-07-30. Review status: criteria provided, single submitter. Criteria: Athena Diagnostics Criteria. Collection method: clinical testing. Allele origin: unknown.
Comment: Available data are insufficient to determine the clinical significance of the variant at this time. This variant has not been reported in large, multi-ethnic general populations. Polyphen and MutationTaster yielded discordant predictions regarding whether this amino acid change is damaging to the protein.

NM_182961.4(SYNE1):c.1942C>G (p.Arg648Gly)

Gene: SYNE1 (spectrin repeat containing nuclear envelope protein 1; minus strand). Cytogenetic location: 6q25.2.
Variant type: single nucleotide variant.
Coding change: c.1942C>G on transcript NM_182961.4 (MANE Select); coding-DNA position 1942, C replaced by G.
Protein change: p.Arg648Gly; replaces arginine 648 with glycine.
Molecular consequence: missense variant.
Genome position (GRCh38, 1-based): chr6:152,463,508, G>C on the plus strand (C>G on the coding strand, the complement: SYNE1 is on the minus strand). VCF-style: chr6-152463508-G-C. GRCh37 (hg19) VCF-style: chr6-152784643-G-C.
Other names: c.1963C>G, p.Arg655Gly (NM_033071.5); short protein forms R648G, R655G.
Identifiers: ClinVar variation 4682353 (VCV004682353.1).